The following is an entry in ClinVar:

ClinVar aggregate classification (germline): Uncertain significance. Review status: criteria provided, multiple submitters, no conflicts (2 of 4 stars). 3 submissions from 3 submitters: Uncertain significance (3). Last evaluated 2024-10-15.

Conditions:
Inborn genetic diseases. Identifiers: MedGen C0950123, MeSH D030342.

Allele frequency attached by ClinVar (database versions not stated): gnomAD exomes below 0.00001; TOPMed below 0.00001; ExAC 0.00001; gnomAD 0.00001.
gnomAD v4.1: 7 of 1,614,050 alleles (0.00043%); highest among the groups gnomAD compares: African/African-American, 0.0053%; no homozygotes.

Submissions (3):

Women's Health and Genetics/Laboratory Corporation of America, LabCorp
Classification: Uncertain significance. Last evaluated: 2024-10-15. Review status: criteria provided, single submitter. Criteria: LabCorp Variant Classification Summary - May 2015. Collection method: clinical testing. Allele origin: germline.
Comment: Variant summary: TK2 c.368G>A (p.Arg123His) results in a non-conservative amino acid change located in the deoxynucleoside kinase domain of the encoded protein sequence. Three of five in-silico tools predict a damaging effect of the variant on protein function. The variant allele was found at a frequency of 4e-06 in 250796 control chromosomes. The available data on variant occurrences in the general population are insufficient to allow any conclusion about variant significance. To our knowledge, no occurrence of c.368G>A in individuals affected with Mitochondrial DNA Depletion Syndrome - TK2 Related and no experimental evidence demonstrating its impact on protein function have been reported. ClinVar contains an entry for this variant (Variation ID: 1405240). Based on the evidence outlined above, the variant was classified as uncertain significance.

Ambry Genetics
Classification: Uncertain significance for Inborn genetic diseases. Last evaluated: 2024-08-27. Review status: criteria provided, single submitter. Criteria: Ambry Variant Classification Scheme 2023. Collection method: clinical testing. Allele origin: germline.

Labcorp Genetics (formerly Invitae), Labcorp
Classification: Uncertain significance. Last evaluated: 2024-05-15. Review status: criteria provided, single submitter. Criteria: Invitae Variant Classification Sherloc (09022015). Collection method: clinical testing. Allele origin: germline.
Comment: This sequence change replaces arginine, which is basic and polar, with histidine, which is basic and polar, at codon 123 of the TK2 protein (p.Arg123His). This variant is present in population databases (rs766332476, gnomAD 0.007%). This variant has not been reported in the literature in individuals affected with TK2-related conditions. ClinVar contains an entry for this variant (Variation ID: 1405240). Advanced modeling of protein sequence and biophysical properties (such as structural, functional, and spatial information, amino acid conservation, physicochemical variation, residue mobility, and thermodynamic stability) performed at Invitae indicates that this missense variant is not expected to disrupt TK2 protein function with a negative predictive value of 80%. In summary, the available evidence is currently insufficient to determine the role of this variant in disease. Therefore, it has been classified as a Variant of Uncertain Significance.

NM_004614.5(TK2):c.368G>A (p.Arg123His)

Gene: TK2 (thymidine kinase 2; minus strand). Cytogenetic location: 16q21.
Variant type: single nucleotide variant.
Coding change: c.368G>A on transcript NM_004614.5 (MANE Select); coding-DNA position 368, G replaced by A.
Protein change: p.Arg123His; replaces arginine 123 with histidine.
Molecular consequence: missense variant. On other transcripts: non-coding transcript variant (1).
Genome position (GRCh38, 1-based): chr16:66,531,387, C>T on the plus strand (G>A on the coding strand, the complement: TK2 is on the minus strand). VCF-style: chr16-66531387-C-T. GRCh37 (hg19) VCF-style: chr16-66565290-C-T.
Other names: c.368G>A (NM_004614.4); c.275G>A, p.Arg92His (NM_001172643.1, NM_001271935.1); c.293G>A, p.Arg98His (NM_001172644.2); c.314G>A, p.Arg105His (NM_001172645.2); c.221G>A, p.Arg74His (NM_001271934.2); c.77G>A, p.Arg26His (NM_001272050.2); short protein forms R105H, R123H, R26H, R92H, R74H, R98H.
Identifiers: ClinVar variation 1405240 (VCV001405240.9), dbSNP rs766332476, ClinGen allele CA8093703.